The following is an entry in ClinVar:

ClinVar aggregate classification (germline): Uncertain significance (1 of 4 stars; one submission).

Allele frequency attached by ClinVar (database versions not stated): gnomAD exomes below 0.00001.
gnomAD v4.1: 2 of 1,613,894 alleles (0.00012%); highest among the groups gnomAD compares: Non-Finnish European, 0.00017%; no homozygotes.

Submission:

Labcorp Genetics (formerly Invitae), Labcorp
Classification: Uncertain significance. Last evaluated: 2022-02-09. Review status: criteria provided, single submitter. Criteria: Invitae Variant Classification Sherloc (09022015). Collection method: clinical testing. Allele origin: germline.
Comment: In summary, the available evidence is currently insufficient to determine the role of this variant in disease. Therefore, it has been classified as a Variant of Uncertain Significance. Algorithms developed to predict the effect of missense changes on protein structure and function (SIFT, PolyPhen-2, Align-GVGD) all suggest that this variant is likely to be disruptive. This variant has not been reported in the literature in individuals affected with SBF1-related conditions. This variant is not present in population databases (gnomAD no frequency). This sequence change replaces histidine, which is basic and polar, with leucine, which is neutral and non-polar, at codon 78 of the SBF1 protein (p.His78Leu).

NM_002972.4(SBF1):c.233A>T (p.His78Leu)

Gene: SBF1 (SET binding factor 1; minus strand). Cytogenetic location: 22q13.33.
Variant type: single nucleotide variant.
Coding change: c.233A>T on transcript NM_002972.4 (MANE Select); coding-DNA position 233, A replaced by T.
Protein change: p.His78Leu; replaces histidine 78 with leucine.
Molecular consequence: missense variant.
Genome position (GRCh38, 1-based): chr22:50,467,832, T>A on the plus strand (A>T on the coding strand, the complement: SBF1 is on the minus strand). VCF-style: chr22-50467832-T-A. GRCh37 (hg19) VCF-style: chr22-50906261-T-A.
Other names: c.233A>T, p.His78Leu (NM_001365819.1, NM_001410794.1, NM_001410795.1 and 1 more transcripts); short protein forms H78L.
Identifiers: ClinVar variation 2095823 (VCV002095823.4), dbSNP rs201451574, ClinGen allele CA325537647.